The following is an entry in ClinVar:

ClinVar aggregate classification (germline): Uncertain significance (1 of 4 stars; one submission).

Allele frequency attached by ClinVar (database versions not stated): gnomAD exomes 0.00001; TOPMed 0.00001.
gnomAD v4.1: 11 of 1,614,200 alleles (0.00068%); highest among the groups gnomAD compares: East Asian, 0.0045%; no homozygotes.

Submission:

Labcorp Genetics (formerly Invitae), Labcorp
Classification: Uncertain significance. Last evaluated: 2021-08-27. Review status: criteria provided, single submitter. Criteria: Invitae Variant Classification Sherloc (09022015). Collection method: clinical testing. Allele origin: germline.
Comment: This sequence change replaces arginine with histidine at codon 422 of the COL7A1 protein (p.Arg422His). The arginine residue is moderately conserved and there is a small physicochemical difference between arginine and histidine. This variant is not present in population databases (ExAC no frequency). This variant has not been reported in the literature in individuals affected with COL7A1-related conditions. Algorithms developed to predict the effect of missense changes on protein structure and function output the following: SIFT: "Tolerated"; PolyPhen-2: "Not Available"; Align-GVGD: "Class C0". The histidine amino acid residue is found in multiple mammalian species, which suggests that this missense change does not adversely affect protein function. In summary, the available evidence is currently insufficient to determine the role of this variant in disease. Therefore, it has been classified as a Variant of Uncertain Significance.

NM_000094.4(COL7A1):c.1265G>A (p.Arg422His)

Gene: COL7A1 (collagen type VII alpha 1 chain; minus strand). Cytogenetic location: 3p21.31.
Variant type: single nucleotide variant.
Coding change: c.1265G>A on transcript NM_000094.4 (MANE Select); coding-DNA position 1265, G replaced by A.
Protein change: p.Arg422His; replaces arginine 422 with histidine.
Molecular consequence: missense variant.
Genome position (GRCh38, 1-based): chr3:48,591,990, C>T on the plus strand (G>A on the coding strand, the complement: COL7A1 is on the minus strand). VCF-style: chr3-48591990-C-T. GRCh37 (hg19) VCF-style: chr3-48629423-C-T.
Other names: short protein forms R422H.
Identifiers: ClinVar variation 2143585 (VCV002143585.1), dbSNP rs1226891360, ClinGen allele CA352736373.
Genomic context (GRCh38, chr3:48,591,990, plus strand): 5'-CGGGCCTCAGGCACCAAGTTCCAGGAAAGGAGGATGGATGTGGGGCCCAGGATGACCGGG[C>T]GCAGGGTCTGCTCAACAGAAGCGTCTGCCCAGGGCACATGGGATGTCAGTGGCCTCCGGG-3'
Protein context (NP_000085.1, residues 412-432): RTDASVEQTL[Arg422His]PVILGPTSIL